The following is an entry in ClinVar:

NM_006946.4(SPTBN2):c.5135A>G (p.Glu1712Gly)

Gene: SPTBN2 (spectrin beta, non-erythrocytic 2; minus strand). Cytogenetic location: 11q13.2.
Variant type: single nucleotide variant.
Coding change: c.5135A>G on transcript NM_006946.4 (MANE Select); coding-DNA position 5135, A replaced by G.
Protein change: p.Glu1712Gly; replaces glutamic acid 1712 with glycine.
Molecular consequence: missense variant.
Genome position (GRCh38, 1-based): chr11:66,692,591, T>C on the plus strand (A>G on the coding strand, the complement: SPTBN2 is on the minus strand). VCF-style: chr11-66692591-T-C. GRCh37 (hg19) VCF-style: chr11-66460062-T-C.
Other names: c.5156A>G, p.Glu1719Gly (NM_001411025.1); short protein forms E1712G, E1719G.
Identifiers: ClinVar variation 2906562 (VCV002906562.3), dbSNP rs778696426, ClinGen allele CA6128356.

ClinVar aggregate classification (germline): Uncertain significance (1 of 4 stars; one submission).

Allele frequency attached by ClinVar (database versions not stated): gnomAD exomes below 0.00001; ExAC 0.00002.
gnomAD v4.1: 2 of 1,606,726 alleles (0.00012%); highest among the groups gnomAD compares: Admixed American, 0.0033%; no homozygotes.

Submission:

Labcorp Genetics (formerly Invitae), Labcorp
Classification: Uncertain significance. Last evaluated: 2023-04-19. Review status: criteria provided, single submitter. Criteria: Invitae Variant Classification Sherloc (09022015). Collection method: clinical testing. Allele origin: germline.
Comment: In summary, the available evidence is currently insufficient to determine the role of this variant in disease. Therefore, it has been classified as a Variant of Uncertain Significance. Advanced modeling of protein sequence and biophysical properties (such as structural, functional, and spatial information, amino acid conservation, physicochemical variation, residue mobility, and thermodynamic stability) performed at Invitae indicates that this missense variant is expected to disrupt SPTBN2 protein function. This variant has not been reported in the literature in individuals affected with SPTBN2-related conditions. This variant is present in population databases (rs778696426, gnomAD 0.006%). This sequence change replaces glutamic acid, which is acidic and polar, with glycine, which is neutral and non-polar, at codon 1712 of the SPTBN2 protein (p.Glu1712Gly).